The following is an entry in ClinVar:

ClinVar aggregate classification (germline): Uncertain significance. Review status: criteria provided, multiple submitters, no conflicts (2 of 4 stars). 7 submissions from 7 submitters: Uncertain significance (7). Last evaluated 2026-01-21.

Conditions:
POLE-related disorder. Also called: POLE-related disorders; POLE-related condition.
Intrauterine growth retardation, metaphyseal dysplasia, adrenal hypoplasia congenita, genital anomalies, and immunodeficiency. Also called: IMAGEI SYNDROME. Identifiers: MedGen C5193036, MONDO:0032684, OMIM 618336.
Facial dysmorphism-immunodeficiency-livedo-short stature syndrome. Also called: Facial dysmorphism, immunodeficiency, livedo, and short stature; FILS syndrome. Identifiers: Orphanet 352712, MedGen C3554576, MONDO:0014058, OMIM 615139.
Colorectal cancer, susceptibility to, 12 (CRCS12). Also called: COLORECTAL CANCER, SUSCEPTIBILITY TO, ON CHROMOSOME 12q24. Identifiers: Orphanet 220460, MedGen C3554460, MONDO:0014038, OMIM 615083.
Hereditary cancer-predisposing syndrome. Also called: Neoplastic Syndromes, Hereditary; Tumor predisposition; Hereditary Cancer Syndrome; Hereditary neoplastic syndrome. Identifiers: Orphanet 140162, MedGen C0027672, MeSH D009386, MONDO:0015356.

Allele frequency attached by ClinVar (database versions not stated): gnomAD 0.00001; gnomAD exomes 0.00002; TOPMed 0.00003.
gnomAD v4.1: 30 of 1,613,388 alleles (0.0019%); highest among the groups gnomAD compares: Non-Finnish European, 0.0023%; no homozygotes.

Submissions (7):

Labcorp Genetics (formerly Invitae), Labcorp
Classification: Uncertain significance. Last evaluated: 2026-01-21. Review status: criteria provided, single submitter. Criteria: Invitae Variant Classification Sherloc (09022015). Collection method: clinical testing. Allele origin: germline.
Comment: This sequence change replaces serine, which is neutral and polar, with asparagine, which is neutral and polar, at codon 2022 of the POLE protein (p.Ser2022Asn). This variant is present in population databases (no rsID available, gnomAD 0.004%). This variant has not been reported in the literature in individuals affected with POLE-related conditions. ClinVar contains an entry for this variant (Variation ID: 405648). Invitae Evidence Modeling of protein sequence and biophysical properties (such as structural, functional, and spatial information, amino acid conservation, physicochemical variation, residue mobility, and thermodynamic stability) indicates that this missense variant is not expected to disrupt POLE protein function with a negative predictive value of 80%. In summary, the available evidence is currently insufficient to determine the role of this variant in disease. Therefore, it has been classified as a Variant of Uncertain Significance.

GeneDx
Classification: Uncertain significance. Last evaluated: 2025-04-07. Review status: criteria provided, single submitter. Criteria: GeneDx Variant Classification Process June 2021. Collection method: clinical testing. Allele origin: germline. Affected: yes.
Comment: Not observed at significant frequency in large population cohorts (gnomAD); In silico analysis indicates that this missense variant does not alter protein structure/function; Observed with POLE p.(Arg52Trp) in an individual with family history of colorectal, breast and other cancer in published literature (PMID: 35534704); This variant is associated with the following publications: (PMID: 35534704)

PreventionGenetics, part of Exact Sciences
Classification: Uncertain significance for POLE-related condition. Last evaluated: 2025-02-24. Review status: criteria provided, single submitter. Criteria: ACMG Guidelines, 2015. Collection method: clinical testing. Allele origin: germline.
Comment: The POLE c.6065G>A variant is predicted to result in the amino acid substitution p.Ser2022Asn. This variant has been noted in an individual who had a family history of breast, colorectal, and other cancers who also carried the POLE c.154C>T variant (Table S3, de Oliveira et al. 2022. PubMed ID: 35534704). The c.6065G>A variant is reported in 0.0044% of alleles in individuals of European (non-Finnish) descent in gnomAD and is interpreted as uncertain significance in ClinVar. Although we suspect this variant is benign and forms a common haplotype with the c.154C>T variant, at this time, the clinical significance of this variant is uncertain due to the absence of conclusive functional and genetic evidence.

Blueprint Genetics
Classification: Uncertain significance. Last evaluated: 2024-11-19. Review status: criteria provided, single submitter. Criteria: ACMG Guidelines, 2015. Collection method: clinical testing. Allele origin: germline.

Ambry Genetics
Classification: Uncertain significance for Hereditary cancer-predisposing syndrome. Last evaluated: 2024-02-27. Review status: criteria provided, single submitter. Criteria: Ambry Variant Classification Scheme 2023. Collection method: clinical testing. Allele origin: germline.
Comment: The p.S2022N variant (also known as c.6065G>A), located in coding exon 44 of the POLE gene, results from a G to A substitution at nucleotide position 6065. The serine at codon 2022 is replaced by asparagine, an amino acid with highly similar properties. This amino acid position is conserved. In addition, this alteration is predicted to be tolerated by in silico analysis. Since supporting evidence is limited at this time, the clinical significance of this alteration remains unclear.

Department of Pathology and Laboratory Medicine, Sinai Health System
Classification: Uncertain significance for Colorectal cancer, susceptibility to, 12; Facial dysmorphism-immunodeficiency-livedo-short stature syndrome; Intrauterine growth retardation, metaphyseal dysplasia, adrenal hypoplasia congenita, genital anomalies, and immunodeficiency. Last evaluated: 2023-09-18. Review status: criteria provided, single submitter. Criteria: ACMG Guidelines, 2015. Collection method: clinical testing. Allele origin: germline. Affected: no.

Baylor Genetics
Classification: Uncertain significance for Colorectal cancer, susceptibility to, 12. Last evaluated: 2020-12-13. Review status: criteria provided, single submitter. Criteria: ACMG Guidelines, 2015. Collection method: clinical testing. Allele origin: unknown. Affected: yes. Study: CSER-TexasKidsCanSeq.
Comment: This variant was determined to be of uncertain significance according to ACMG Guidelines, 2015 [PMID:25741868].

NM_006231.4(POLE):c.6065G>A (p.Ser2022Asn)

Gene: POLE (DNA polymerase epsilon, catalytic subunit; minus strand). Cytogenetic location: 12q24.33.
Variant type: single nucleotide variant.
Coding change: c.6065G>A on transcript NM_006231.4 (MANE Select); coding-DNA position 6065, G replaced by A.
Protein change: p.Ser2022Asn; replaces serine 2022 with asparagine.
Molecular consequence: missense variant.
Genome position (GRCh38, 1-based): chr12:132,632,735, C>T on the plus strand (G>A on the coding strand, the complement: POLE is on the minus strand). VCF-style: chr12-132632735-C-T. GRCh37 (hg19) VCF-style: chr12-133209321-C-T.
Other names: short protein forms S2022N.
Identifiers: ClinVar variation 405648 (VCV000405648.22), dbSNP rs905858506, ClinGen allele CA16613724.